The following is an entry in ClinVar:

ClinVar aggregate classification (germline): Benign/Likely benign. Review status: criteria provided, multiple submitters, no conflicts (2 of 4 stars). 4 submissions from 4 submitters: Benign (1); Likely benign (3). Last evaluated 2026-01-28.

Conditions:
Agammaglobulinemia 7, autosomal recessive (AGM7). Also called: AGAMMAGLOBULINEMIA, AUTOSOMAL RECESSIVE, DUE TO PIK3R1 DEFECT. Identifiers: MedGen C3554689, MONDO:0014083, OMIM 615214.
SHORT syndrome. Also called: LIPODYSTROPHY, PARTIAL, WITH RIEGER ANOMALY AND SHORT STATURE; PIK3R1-Related SHORT Syndrome; SHORT STATURE, HYPEREXTENSIBILITY, HERNIA, OCULAR DEPRESSION, RIEGER ANOMALY, AND TEETHING DELAY. Identifiers: Orphanet 3163, MedGen C0878684, MONDO:0010026, OMIM 269880.
Immunodeficiency 36 with lymphoproliferation. Also called: Immunodeficiency 36; ACTIVATED PI3K-DELTA SYNDROME 2; Activated PI3K Delta Syndrome Type 2 (APDS2). Identifiers: Orphanet 397596, Orphanet 693681, MedGen C4014934, MONDO:0014453, OMIM 616005.

Allele frequency attached by ClinVar (database versions not stated): ExAC 0.00010; gnomAD exomes 0.00013 and 0.00018; TOPMed 0.00016; 1000 Genomes Project 0.00020; gnomAD 0.00021; 1000 Genomes Project 30x 0.00031.
gnomAD v4.1: 290 of 1,614,226 alleles (0.018%); highest among the groups gnomAD compares: Non-Finnish European, 0.023%; no homozygotes.

Submissions (4):

Labcorp Genetics (formerly Invitae), Labcorp
Classification: Likely benign for SHORT syndrome; Immunodeficiency 36 with lymphoproliferation; Agammaglobulinemia 7, autosomal recessive. Last evaluated: 2026-01-28. Review status: criteria provided, single submitter. Criteria: Invitae Variant Classification Sherloc (09022015). Collection method: clinical testing. Allele origin: germline.

CeGaT Center for Human Genetics Tuebingen
Classification: Likely benign. Last evaluated: 2023-03-01. Review status: criteria provided, single submitter. Criteria: CeGaT Center For Human Genetics Tuebingen Variant Classification Criteria Version 2. Collection method: clinical testing. Allele origin: germline. Affected: yes. Observed: 2 variant alleles.
Comment: PIK3R1: BP4

Blueprint Genetics
Classification: Likely benign. Last evaluated: 2022-10-21. Review status: criteria provided, single submitter. Criteria: ACMG Guidelines, 2015. Collection method: clinical testing. Allele origin: germline.

Genetic Services Laboratory, University of Chicago
Classification: Benign. Last evaluated: 2019-08-30. Review status: criteria provided, single submitter. Criteria: ACMG Guidelines, 2015. Collection method: clinical testing. Allele origin: germline. Affected: no.

NM_181523.3(PIK3R1):c.1920G>A (p.Gly640=)

Gene: PIK3R1 (phosphoinositide-3-kinase regulatory subunit 1; plus strand). Cytogenetic location: 5q13.1.
Variant type: single nucleotide variant.
Coding change: c.1920G>A on transcript NM_181523.3 (MANE Select); coding-DNA position 1920, G replaced by A.
Protein change: p.Gly640=; no amino-acid change (glycine 640 retained).
Molecular consequence: synonymous variant.
Genome position (GRCh38, 1-based): chr5:68,296,276, G>A. VCF-style: chr5-68296276-G-A. GRCh37 (hg19) VCF-style: chr5-67592104-G-A.
Other names: c.831G>A, p.Gly277= (NM_001242466.2); c.1110G>A, p.Gly370= (NM_181504.4); c.1020G>A, p.Gly340= (NM_181524.2).
Identifiers: ClinVar variation 1135028 (VCV001135028.48), dbSNP rs61749602, ClinGen allele CA3290517.